The following is an entry in ClinVar:

NM_018245.3(OGDHL):c.1090C>T (p.Leu364=)

Gene: OGDHL (oxoglutarate dehydrogenase L; minus strand). Cytogenetic location: 10q11.23.
Variant type: single nucleotide variant.
Coding change: c.1090C>T on transcript NM_018245.3 (MANE Select); coding-DNA position 1090, C replaced by T.
Protein change: p.Leu364=; no amino-acid change (leucine 364 retained).
Molecular consequence: synonymous variant. On other transcripts: non-coding transcript variant (5).
Genome position (GRCh38, 1-based): chr10:49,747,106, G>A on the plus strand (C>T on the coding strand, the complement: OGDHL is on the minus strand). VCF-style: chr10-49747106-G-A. GRCh37 (hg19) VCF-style: chr10-50955152-G-A.
Other names: c.919C>T, p.Leu307= (NM_001143996.2, NM_001347820.1); c.463C>T, p.Leu155= (NM_001143997.2, NM_001347821.2, NM_001347822.1 and 1 more transcripts); c.1090C>T, p.Leu364= (NM_001347819.1, NM_001347823.1, NM_001347824.2); c.73C>T, p.Leu25= (NM_001347826.1); c.1090C>T (NM_018245.2).
Identifiers: ClinVar variation 787075 (VCV000787075.6), dbSNP rs34369887, ClinGen allele CA5498689.

ClinVar aggregate classification (germline): Benign. Review status: criteria provided, multiple submitters, no conflicts (2 of 4 stars). 3 submissions from 3 submitters: Benign (2). 1 of the submissions does not count toward it. Last evaluated 2018-06-26.

Conditions:
OGDHL-related disorder. Also called: OGDHL-related condition.

Allele frequency attached by ClinVar (database versions not stated): gnomAD exomes 0.00137 and 0.00052; gnomAD 0.00580 and 0.00610; ESP Exome Variant Server 0.00592; ExAC 0.00167; 1000 Genomes Project 0.00619; 1000 Genomes Project 30x 0.00625; TOPMed 0.00640.
gnomAD v4.1: 1,681 of 1,614,194 alleles (0.1%); highest among the groups gnomAD compares: African/African-American, 2%; 22 homozygotes.

Submissions (3):

Labcorp Genetics (formerly Invitae), Labcorp
Classification: Benign. Last evaluated: 2018-06-26. Review status: criteria provided, single submitter. Criteria: Invitae Variant Classification Sherloc (09022015). Collection method: clinical testing. Allele origin: germline.

Breakthrough Genomics
Classification: Benign. Review status: criteria provided, single submitter. Criteria: ACMG Guidelines, 2015. Collection method: not provided. Allele origin: germline. Inheritance: Autosomal recessive inheritance. Affected: yes.

PreventionGenetics, part of Exact Sciences
Classification: Benign for OGDHL-related condition. Last evaluated: 2019-07-29. Review status: no assertion criteria provided. Collection method: clinical testing. Allele origin: germline. Not counted in ClinVar's aggregate classification.
Comment: This variant is classified as benign based on ACMG/AMP sequence variant interpretation guidelines (Richards et al. 2015 PMID: 25741868, with internal and published modifications).